The following is an entry in ClinVar:

ClinVar aggregate classification (germline): Uncertain significance. Review status: criteria provided, multiple submitters, no conflicts (2 of 4 stars). 3 submissions from 3 submitters: Uncertain significance (3). Last evaluated 2024-03-11.

Conditions:
Inherited glutathione synthetase deficiency. Identifiers: Orphanet 32, MedGen C5979912, MONDO:0017909.

Allele frequency attached by ClinVar (database versions not stated): gnomAD 0.00001; TOPMed 0.00003; ExAC 0.00008; gnomAD exomes 0.00008.
gnomAD v4.1: 25 of 1,613,566 alleles (0.0015%); highest among the groups gnomAD compares: Admixed American, 0.04%; no homozygotes.

Submissions (3):

Revvity Omics, Revvity
Classification: Uncertain significance. Last evaluated: 2024-03-11. Review status: criteria provided, single submitter. Criteria: ACMG Guidelines, 2015. Collection method: clinical testing. Allele origin: germline.

Labcorp Genetics (formerly Invitae), Labcorp
Classification: Uncertain significance for Glutathione synthetase deficiency with 5-oxoprolinuria. Last evaluated: 2021-09-04. Review status: criteria provided, single submitter. Criteria: Invitae Variant Classification Sherloc (09022015). Collection method: clinical testing. Allele origin: germline.
Comment: This sequence change replaces isoleucine with valine at codon 396 of the GSS protein (p.Ile396Val). The isoleucine residue is highly conserved and there is a small physicochemical difference between isoleucine and valine. This variant is present in population databases (rs771438550, ExAC 0.09%). This variant has not been reported in the literature in individuals affected with GSS-related conditions. ClinVar contains an entry for this variant (Variation ID: 338296). Algorithms developed to predict the effect of missense changes on protein structure and function are either unavailable or do not agree on the potential impact of this missense change (SIFT: "Deleterious"; PolyPhen-2: "Benign"; Align-GVGD: "Class C0"). In summary, the available evidence is currently insufficient to determine the role of this variant in disease. Therefore, it has been classified as a Variant of Uncertain Significance.

Illumina Laboratory Services, Illumina
Classification: Uncertain significance for Glutathione synthetase deficiency with 5-oxoprolinuria. Last evaluated: 2018-01-13. Review status: criteria provided, single submitter. Criteria: ICSL Variant Classification Criteria 13 December 2019. Collection method: clinical testing. Allele origin: germline.

NM_000178.4(GSS):c.1186A>G (p.Ile396Val)

Gene: GSS (glutathione synthetase; minus strand). Cytogenetic location: 20q11.22.
Variant type: single nucleotide variant.
Coding change: c.1186A>G on transcript NM_000178.4 (MANE Select); coding-DNA position 1186, A replaced by G.
Protein change: p.Ile396Val; replaces isoleucine 396 with valine.
Molecular consequence: missense variant.
Genome position (GRCh38, 1-based): chr20:34,929,516, T>C on the plus strand (A>G on the coding strand, the complement: GSS is on the minus strand). VCF-style: chr20-34929516-T-C. GRCh37 (hg19) VCF-style: chr20-33517319-T-C.
Other names: c.1186A>G, p.Ile396Val (LRG_1168t1, NM_001322494.1, NM_001322495.1); short protein forms I396V.
Identifiers: ClinVar variation 338296 (VCV000338296.8), dbSNP rs771438550, ClinGen allele CA9825844.